The following is an entry in ClinVar:

NM_020975.6(RET):c.2649T>C (p.Ala883=)

Gene: RET (ret proto-oncogene; plus strand). Cytogenetic location: 10q11.21.
Variant type: single nucleotide variant.
Coding change: c.2649T>C on transcript NM_020975.6 (MANE Select); coding-DNA position 2649, T replaced by C.
Protein change: p.Ala883=; no amino-acid change (alanine 883 retained).
Molecular consequence: synonymous variant.
Genome position (GRCh38, 1-based): chr10:43,120,122, T>C. VCF-style: chr10-43120122-T-C. GRCh37 (hg19) VCF-style: chr10-43615570-T-C.
Other names: c.1887T>C, p.Ala629= (NM_001355216.2); c.2649T>C, p.Ala883= (NM_001406743.1, NM_001406744.1, NM_001406759.1 and 2 more transcripts); c.2520T>C, p.Ala840= (NM_001406761.1, NM_001406762.1, NM_001406764.1); c.2514T>C, p.Ala838= (NM_001406763.1, NM_001406765.1); c.2361T>C, p.Ala787= (NM_001406766.1, NM_001406767.1, NM_001406770.1); c.2385T>C, p.Ala795= (NM_001406768.1); c.2253T>C, p.Ala751= (NM_001406769.1, NM_001406772.1); c.2211T>C, p.Ala737= (NM_001406771.1, NM_001406773.1); and 10 more.
Identifiers: ClinVar variation 3904555 (VCV003904555.1).

ClinVar aggregate classification (germline): Benign (1 of 4 stars; one submission).

Conditions:
Multiple endocrine neoplasia type 2A. Also called: Multiple Endocrine Neoplasia Type 2A (MEN2A); MULTIPLE ENDOCRINE NEOPLASIA, TYPE IIA; PTC SYNDROME; SIPPLE SYNDROME; MEN 2A; MEN-2A syndrome. Identifiers: Orphanet 247698, Orphanet 653, MedGen C0025268, MeSH D018813, MONDO:0008234, OMIM 171400.

Submission:

Myriad Genetics, Inc.
Classification: Benign for Multiple endocrine neoplasia type 2A. Last evaluated: 2025-02-27. Review status: criteria provided, single submitter. Criteria: Myriad Autosomal Dominant, Autosomal Recessive and X-Linked Classification Criteria (2023). Collection method: clinical testing. Allele origin: unknown.
Comment: This variant is considered benign. This variant is a silent/synonymous amino acid change and it is not expected to impact splicing.